The following is an entry in ClinVar:

NM_001079802.2(FKTN):c.1268A>C (p.Tyr423Ser)

Gene: FKTN (fukutin; plus strand). Cytogenetic location: 9q31.2.
Variant type: single nucleotide variant.
Coding change: c.1268A>C on transcript NM_001079802.2 (MANE Select); coding-DNA position 1268, A replaced by C.
Protein change: p.Tyr423Ser; replaces tyrosine 423 with serine.
Molecular consequence: missense variant. On other transcripts: 3 prime UTR variant (1), non-coding transcript variant (2).
Genome position (GRCh38, 1-based): chr9:105,635,146, A>C. VCF-style: chr9-105635146-A-C. GRCh37 (hg19) VCF-style: chr9-108397427-A-C.
Other names: c.1268A>C, p.Tyr423Ser (NM_001198963.2, NM_001351496.2, NM_006731.2); c.1199A>C, p.Tyr400Ser (NM_001351497.2); c.*60A>C (NM_001351498.2); c.872A>C, p.Tyr291Ser (NM_001351499.2, NM_001351500.2, NM_001351501.2 and 1 more transcripts); short protein forms Y291S, Y400S, Y423S.
Identifiers: ClinVar variation 1311787 (VCV001311787.2), dbSNP rs938689811, ClinGen allele CA374378214.

ClinVar aggregate classification (germline): Uncertain significance (1 of 4 stars; one submission).

Submission:

GeneDx
Classification: Uncertain significance. Last evaluated: 2020-01-28. Review status: criteria provided, single submitter. Criteria: GeneDx Variant Classification Process June 2021. Collection method: clinical testing. Allele origin: germline. Affected: yes.
Comment: Not observed in large population cohorts (Lek et al., 2016); In silico analysis, which includes protein predictors and evolutionary conservation, supports a deleterious effect; Has not been previously published as pathogenic or benign to our knowledge